The following is an entry in ClinVar:

NM_194454.3(KRIT1):c.*141C>T

Gene: KRIT1 (KRIT1 ankyrin repeat containing; minus strand). Cytogenetic location: 7q21.2.
Variant type: single nucleotide variant.
Coding change: c.*141C>T on transcript NM_194454.3 (MANE Select); 141 bases downstream of the stop codon, C replaced by T.
Molecular consequence: 3 prime UTR variant.
Genome position (GRCh38, 1-based): chr7:92,200,595, G>A on the plus strand (C>T on the coding strand, the complement: KRIT1 is on the minus strand). VCF-style: chr7-92200595-G-A. GRCh37 (hg19) VCF-style: chr7-91829909-G-A.
Other names: c.*141C>T (NM_001013406.2, NM_001350669.1, NM_001350670.1 and 30 more transcripts).
Identifiers: ClinVar variation 360877 (VCV000360877.38), dbSNP rs117325194, ClinGen allele CA10629592.
Genomic context (GRCh38, chr7:92,200,595, plus strand): 5'-TAGAGACAGGGTTTCACCATGTTGGCCAGGCTGGTCTTGAACTCTGACTTCAGGTGATCC[G>A]CCTGCCCCAGCCTCCCAAAGTGCTGGAATTACAGGGGTGAGCCACCATGCTCGGCCAAAA-3'

ClinVar aggregate classification (germline): Benign. Review status: criteria provided, multiple submitters, no conflicts (2 of 4 stars). 5 submissions from 4 submitters: Benign (4). 1 of the submissions does not count toward it. Last evaluated 2026-08-01.

Conditions:
Angiokeratoma corporis diffusum with arteriovenous fistulas. Identifiers: MedGen C1838141, MONDO:0010885, OMIM 600419.
KRIT1-related disorder. Also called: KRIT1-related disorders; KRIT1-related condition.
Cerebral cavernous malformation (CCM). Also called: Cavernous Hemangioma of Brain; Cerebral cavernous malformations; CAVERNOUS ANGIOMA, FAMILIAL; CAVERNOUS ANGIOMATOUS MALFORMATIONS; CEREBRAL CAPILLARY MALFORMATIONS; Cerebral cavernous hemangioma (type). Identifiers: Orphanet 221061, MedGen C2919945, MONDO:0000820, OMIM 116860, HP:0033522.

Allele frequency attached by ClinVar (database versions not stated): 1000 Genomes Project 0.00339; 1000 Genomes Project 30x 0.00359; gnomAD 0.00525 and 0.00554; TOPMed 0.00593; gnomAD exomes 0.00650.
gnomAD v4.1: 4,245 of 682,506 alleles (0.62%); highest among the groups gnomAD compares: Middle Eastern, 1%; 24 homozygotes.

Submissions (5):

CeGaT Center for Human Genetics Tuebingen
Classification: Benign. Last evaluated: 2026-08-01. Review status: criteria provided, single submitter. Criteria: CeGaT Center For Human Genetics Tuebingen Variant Classification Criteria Version 2. Collection method: clinical testing. Allele origin: germline. Affected: yes. Observed: 9 variant alleles.
Comment: KRIT1: BS1, BS2

Illumina Laboratory Services, Illumina
Classification: Benign for Cerebral cavernous malformation. Last evaluated: 2018-01-13. Review status: criteria provided, single submitter. Criteria: ICSL Variant Classification Criteria 13 December 2019. Collection method: clinical testing. Allele origin: germline.
Comment: This variant was observed in the ICSL laboratory as part of a predisposition screen in an ostensibly healthy population. It had not been previously curated by ICSL or reported in the Human Gene Mutation Database (HGMD: prior to June 1st, 2018), and was therefore a candidate for classification through an automated scoring system. Utilizing variant allele frequency, disease prevalence and penetrance estimates, and inheritance mode, an automated score was calculated to assess if this variant is too frequent to cause the disease. Based on the score and internal cut-off values, a variant classified as benign is not then subjected to further curation. The score for this variant resulted in a classification of benign for this disease.

Illumina Laboratory Services, Illumina
Classification: Benign for Angiokeratoma corporis diffusum with arteriovenous fistulas. Last evaluated: 2018-01-13. Review status: criteria provided, single submitter. Criteria: ICSL Variant Classification Criteria 13 December 2019. Collection method: clinical testing. Allele origin: germline.
Comment: the same text as in the submission from Illumina Laboratory Services, Illumina above.

Breakthrough Genomics
Classification: Benign. Review status: criteria provided, single submitter. Criteria: ACMG Guidelines, 2015. Collection method: not provided. Allele origin: germline. Inheritance: Autosomal dominant inheritance. Affected: yes.

PreventionGenetics, part of Exact Sciences
Classification: Benign for KRIT1-related condition. Last evaluated: 2019-06-07. Review status: no assertion criteria provided. Collection method: clinical testing. Allele origin: germline. Not counted in ClinVar's aggregate classification.
Comment: This variant is classified as benign based on ACMG/AMP sequence variant interpretation guidelines (Richards et al. 2015 PMID: 25741868, with internal and published modifications).